The following is an entry in ClinVar:

NM_003079.5(SMARCE1):c.1086_1087delinsAT (p.Thr363Ser)

Gene: SMARCE1 (SWI/SNF related BAF chromatin remodeling complex subunit E1; minus strand). Cytogenetic location: 17q21.2.
Variant type: Indel.
Coding change: c.1086_1087delinsAT on transcript NM_003079.5 (MANE Select); coding-DNA positions 1086 to 1087, TA replaced by AT.
Protein change: p.Thr363Ser; replaces threonine 363 with serine.
Molecular consequence: missense variant.
Genome position (GRCh38, 1-based): chr17:40,628,934-40,628,935, TA replaced by AT on the plus strand (TA replaced by AT on the coding strand, the reverse complement: SMARCE1 is on the minus strand). VCF-style: chr17-40628934-TA-AT. GRCh37 (hg19) VCF-style: chr17-38785186-TA-AT.
Other names: c.1086_1087delTAinsAT (NM_003079.4); short protein forms T363S.
Identifiers: ClinVar variation 951720 (VCV000951720.8), dbSNP rs2037062544, ClinGen allele CA1139665513.

ClinVar aggregate classification (germline): Uncertain significance. Review status: criteria provided, multiple submitters, no conflicts (2 of 4 stars). 2 submissions from 2 submitters: Uncertain significance (2). Last evaluated 2024-07-24.

Conditions:
Familial meningioma. Also called: Meningioma, familial, susceptibility to. Identifiers: Orphanet 263662, MedGen C3551915, MONDO:0011789, OMIM 607174.
Hereditary cancer-predisposing syndrome. Also called: Tumor predisposition; Hereditary neoplastic syndrome; Neoplastic Syndromes, Hereditary; Hereditary Cancer Syndrome. Identifiers: Orphanet 140162, MedGen C0027672, MeSH D009386, MONDO:0015356.

Submissions (2):

Labcorp Genetics (formerly Invitae), Labcorp
Classification: Uncertain significance for Familial meningioma. Last evaluated: 2024-07-24. Review status: criteria provided, single submitter. Criteria: Invitae Variant Classification Sherloc (09022015). Collection method: clinical testing. Allele origin: germline.
Comment: This sequence change replaces threonine, which is neutral and polar, with serine, which is neutral and polar, at codon 363 of the SMARCE1 protein (p.Thr363Ser). Information on the frequency of this variant in the gnomAD database is not available, as this variant may be reported differently in the database. This variant has not been reported in the literature in individuals affected with SMARCE1-related conditions. ClinVar contains an entry for this variant (Variation ID: 951720). Experimental studies and prediction algorithms are not available or were not evaluated, and the functional significance of this variant is currently unknown. In summary, the available evidence is currently insufficient to determine the role of this variant in disease. Therefore, it has been classified as a Variant of Uncertain Significance.

Ambry Genetics
Classification: Uncertain significance for Hereditary cancer-predisposing syndrome. Last evaluated: 2024-06-17. Review status: criteria provided, single submitter. Criteria: Ambry Variant Classification Scheme 2023. Collection method: clinical testing. Allele origin: germline.
Comment: The c.1086_1087delTAinsAT variant (also known as p.T363S), located in coding exon 10 of the SMARCE1 gene, results from an in-frame deletion of TA and insertion of AT at nucleotide positions 1086 to 1087. This results in the substitution of the threonine residue for a serine residue at codon 363, an amino acid with similar properties. This amino acid position is highly conserved in available vertebrate species. In addition, this alteration is predicted to be neutral by in silico analysis (Choi Y et al. PLoS ONE. 2012; 7(10):e46688). Based on the available evidence, the clinical significance of this variant remains unclear.